The following is an entry in ClinVar:

NM_000179.3(MSH6):c.875G>C (p.Ser292Thr)

Gene: MSH6 (mutS homolog 6; plus strand). Cytogenetic location: 2p16.3.
Variant type: single nucleotide variant.
Coding change: c.875G>C on transcript NM_000179.3 (MANE Select); coding-DNA position 875, G replaced by C.
Protein change: p.Ser292Thr; replaces serine 292 with threonine.
Molecular consequence: missense variant. On other transcripts: 5 prime UTR variant (2).
Genome position (GRCh38, 1-based): chr2:47,798,858, G>C. VCF-style: chr2-47798858-G-C. GRCh37 (hg19) VCF-style: chr2-48025997-G-C.
Other names: c.485G>C, p.Ser162Thr (NM_001281492.2); c.-32G>C (NM_001281493.2, NM_001281494.2); short protein forms S292T, S162T.
Identifiers: ClinVar variation 479949 (VCV000479949.11), dbSNP rs587781389, ClinGen allele CA346740653.

ClinVar aggregate classification (germline): Uncertain significance. Review status: criteria provided, multiple submitters, no conflicts (2 of 4 stars). 3 submissions from 3 submitters: Uncertain significance (3). Last evaluated 2025-04-09.

Conditions:
Hereditary cancer-predisposing syndrome. Also called: Hereditary Cancer Syndrome; Neoplastic Syndromes, Hereditary; Tumor predisposition; Hereditary neoplastic syndrome. Identifiers: Orphanet 140162, MedGen C0027672, MeSH D009386, MONDO:0015356.
Hereditary nonpolyposis colorectal neoplasms. Identifiers: MedGen C0009405, MeSH D003123.

Allele frequency attached by ClinVar (database versions not stated): TOPMed below 0.00001; gnomAD 0.00001.
gnomAD v4.1: 2 of 1,614,078 alleles (0.00012%); highest among the groups gnomAD compares: African/African-American, 0.0027%; no homozygotes.

Submissions (3):

Labcorp Genetics (formerly Invitae), Labcorp
Classification: Uncertain significance for Hereditary nonpolyposis colorectal neoplasms. Last evaluated: 2025-04-09. Review status: criteria provided, single submitter. Criteria: Invitae Variant Classification Sherloc (09022015). Collection method: clinical testing. Allele origin: germline.
Comment: This sequence change replaces serine, which is neutral and polar, with threonine, which is neutral and polar, at codon 292 of the MSH6 protein (p.Ser292Thr). This variant is not present in population databases (gnomAD no frequency). This variant has not been reported in the literature in individuals affected with MSH6-related conditions. ClinVar contains an entry for this variant (Variation ID: 479949). Invitae Evidence Modeling of protein sequence and biophysical properties (such as structural, functional, and spatial information, amino acid conservation, physicochemical variation, residue mobility, and thermodynamic stability) indicates that this missense variant is not expected to disrupt MSH6 protein function with a negative predictive value of 95%. In summary, the available evidence is currently insufficient to determine the role of this variant in disease. Therefore, it has been classified as a Variant of Uncertain Significance.

Ambry Genetics
Classification: Uncertain significance for Hereditary cancer-predisposing syndrome. Last evaluated: 2023-05-21. Review status: criteria provided, single submitter. Criteria: Ambry Variant Classification Scheme 2023. Collection method: clinical testing. Allele origin: germline.
Comment: The p.S292T variant (also known as c.875G>C), located in coding exon 4 of the MSH6 gene, results from a G to C substitution at nucleotide position 875. The serine at codon 292 is replaced by threonine, an amino acid with similar properties. This amino acid position is well conserved in available vertebrate species. In addition, this alteration is predicted to be tolerated by in silico analysis. In addition, the CoDP in silico tool predicts this alteration to have minor impact on molecular function, with a score of 0.000 (Terui H et al. J. Biomed. Sci. 2013;20:25). Since supporting evidence is limited at this time, the clinical significance of this alteration remains unclear.

Color Diagnostics, LLC DBA Color Health
Classification: Uncertain significance for Hereditary cancer-predisposing syndrome. Last evaluated: 2022-05-06. Review status: criteria provided, single submitter. Criteria: ACMG Guidelines, 2015. Collection method: clinical testing. Allele origin: germline.
Comment: This missense variant replaces serine with threonine at codon 292 of the MSH6 protein. Computational prediction suggests that this variant may not impact protein structure and function (internally defined REVEL score threshold <= 0.5, PMID: 27666373). To our knowledge, functional studies have not been reported for this variant. This variant has not been reported in individuals affected with hereditary cancer in the literature. This variant has not been identified in the general population by the Genome Aggregation Database (gnomAD). The available evidence is insufficient to determine the role of this variant in disease conclusively. Therefore, this variant is classified as a Variant of Uncertain Significance.